The following is an entry in ClinVar:

ClinVar aggregate classification (germline): Uncertain significance (1 of 4 stars; one submission).

Conditions:
Dystonia 12 (DYT12). Also called: Rapid-Onset Dystonia-Parkinsonism (RDP); DYT-ATP1A3. Identifiers: Orphanet 71517, MedGen C1868681, MONDO:0007496, OMIM 128235.

Submission:

Labcorp Genetics (formerly Invitae), Labcorp
Classification: Uncertain significance for Dystonia 12. Last evaluated: 2022-10-26. Review status: criteria provided, single submitter. Criteria: Invitae Variant Classification Sherloc (09022015). Collection method: clinical testing. Allele origin: germline.
Comment: In summary, the available evidence is currently insufficient to determine the role of this variant in disease. Therefore, it has been classified as a Variant of Uncertain Significance. This sequence change replaces glutamine, which is neutral and polar, with glutamic acid, which is acidic and polar, at codon 518 of the ATP1A3 protein (p.Gln518Glu). This variant is not present in population databases (gnomAD no frequency). This variant has not been reported in the literature in individuals affected with ATP1A3-related conditions. Algorithms developed to predict the effect of missense changes on protein structure and function (SIFT, PolyPhen-2, Align-GVGD) all suggest that this variant is likely to be tolerated.

NM_152296.5(ATP1A3):c.1552C>G (p.Gln518Glu)

Gene: ATP1A3 (ATPase Na+/K+ transporting subunit alpha 3; minus strand). Cytogenetic location: 19q13.2.
Variant type: single nucleotide variant.
Coding change: c.1552C>G on transcript NM_152296.5 (MANE Select); coding-DNA position 1552, C replaced by G.
Protein change: p.Gln518Glu; replaces glutamine 518 with glutamic acid.
Molecular consequence: missense variant.
Genome position (GRCh38, 1-based): chr19:41,978,684, G>C on the plus strand (C>G on the coding strand, the complement: ATP1A3 is on the minus strand). VCF-style: chr19-41978684-G-C. GRCh37 (hg19) VCF-style: chr19-42482836-G-C.
Other names: c.1585C>G, p.Gln529Glu (NM_001256213.2); c.1591C>G, p.Gln531Glu (NM_001256214.2); short protein forms Q518E, Q529E, Q531E.
Identifiers: ClinVar variation 1722196 (VCV001722196.5), dbSNP rs2514056481, ClinGen allele CA406046810.
Genomic context (GRCh38, chr19:41,978,684, plus strand): 5'-GGCCACCGAGCTCAAGGTAGGCATTCTGGAAGGCCTCCTTCATTTCCTCGTCCAGAGGCT[G>C]CTCCTTGCCCTGTAGCAGGATGGTGGAGCAGCGGTCCAGGATGCGCTCGGGGGCACCCTT-3'
Protein context (NP_689509.1, residues 508-528): CSTILLQGKE[Gln518Glu]PLDEEMKEAF